The following is an entry in ClinVar:

ClinVar aggregate classification (germline): Uncertain significance. Review status: criteria provided, multiple submitters, no conflicts (2 of 4 stars). 3 submissions from 3 submitters: Uncertain significance (3). Last evaluated 2024-07-01.

Conditions:
Cardiomyopathy (CMYO). Also called: Cardiomyopathies. Identifiers: Orphanet 167848, MedGen C0878544, MONDO:0004994, HP:0001638. Inheritance: Various modes of inheritance.

Allele frequency attached by ClinVar (database versions not stated): gnomAD 0.00001; gnomAD exomes 0.00001 and 0.00003; TOPMed 0.00001; ESP Exome Variant Server 0.00008.
gnomAD v4.1: 50 of 1,613,726 alleles (0.0031%); highest among the groups gnomAD compares: Non-Finnish European, 0.004%; no homozygotes.

Submissions (3):

CeGaT Center for Human Genetics Tuebingen
Classification: Uncertain significance. Last evaluated: 2024-07-01. Review status: criteria provided, single submitter. Criteria: CeGaT Center For Human Genetics Tuebingen Variant Classification Criteria Version 2. Collection method: clinical testing. Allele origin: germline. Affected: yes. Observed: 1 variant allele.
Comment: TTN: PM2:Supporting, BP4

GeneDx
Classification: Uncertain significance. Last evaluated: 2022-01-18. Review status: criteria provided, single submitter. Criteria: GeneDx Variant Classification Process June 2021. Collection method: clinical testing. Allele origin: germline. Affected: yes.
Comment: Reported in a patient with DCM; however, additional information was not provided (Mazzarotto et al., 2020); Missense variant in a gene in which most reported pathogenic variants are truncating/loss-of-function; Not observed at significant frequency in large population cohorts (gnomAD); This variant is associated with the following publications: (PMID: 31983221, 23975875)

CHEO Genetics Diagnostic Laboratory, Children's Hospital of Eastern Ontario
Classification: Uncertain significance for Cardiomyopathy. Last evaluated: 2018-03-05. Review status: criteria provided, single submitter. Criteria: ACMG Guidelines, 2015. Collection method: clinical testing. Allele origin: germline.

NM_001267550.2(TTN):c.85006G>C (p.Val28336Leu)

Genes: TTN (titin; minus strand), TTN-AS1 (TTN antisense RNA 1; plus strand). Cytogenetic location: 2q31.2.
Variant type: single nucleotide variant.
Coding change: c.85006G>C on transcript NM_001267550.2 (MANE Select); coding-DNA position 85006, G replaced by C.
Protein change: p.Val28336Leu; replaces valine 28336 with leucine.
Molecular consequence: missense variant.
Genome position (GRCh38, 1-based): chr2:178,561,126, C>G on the plus strand (G>C on the coding strand, the complement: TTN is on the minus strand). VCF-style: chr2-178561126-C-G. GRCh37 (hg19) VCF-style: chr2-179425853-C-G.
Other names: c.85006G>C (NM_001267550.1); c.80083G>C, p.Val26695Leu (NM_001256850.1); c.57811G>C, p.Val19271Leu (NM_003319.4); c.77302G>C, p.Val25768Leu (NM_133378.4); c.58186G>C, p.Val19396Leu (NM_133432.3); c.58387G>C, p.Val19463Leu (NM_133437.4); short protein forms V19271L, V19463L, V28336L, V19396L, V25768L, V26695L.
Identifiers: ClinVar variation 915621 (VCV000915621.21), dbSNP rs375593513, ClinGen allele CA60984929.
Genomic context (GRCh38, chr2:178,561,126, plus strand): 5'-TTGGAGGCTCAACATCATCTTTAACTATAATAGGCCCAGTGGATTCAGATGGCTCACTAA[C>G]TGAGTCAGCAGCATTCCTTGCAAAAACCCGGAATTCATAACGCTGATCTTCAGTAAGTTC-3'
Protein context (NP_001254479.2, residues 28326-28346): RVFARNAADS[Val28336Leu]SEPSESTGPI